The following is an entry in ClinVar:

NM_004064.5(CDKN1B):c.399_409del (p.Lys134fs)

Gene: CDKN1B (cyclin dependent kinase inhibitor 1B; plus strand). Cytogenetic location: 12p13.1.
Variant type: Deletion.
Coding change: c.399_409del on transcript NM_004064.5 (MANE Select); coding-DNA positions 399 to 409, 11 bases deleted (AAAGACTGATC).
Protein change: p.Lys134fs; shifts the reading frame from lysine 134.
Molecular consequence: frameshift variant.
Genome position (GRCh38, 1-based): chr12:12,718,238-12,718,248, AAAGACTGATC deleted; deleting any 11 consecutive bases within chr12:12,718,237-12,718,248 gives the same sequence; the c. name uses the placement nearest the transcript's 3' end. VCF-style (leftmost placement, unchanged base first): chr12-12718236-CCAAAGACTGAT-C. GRCh37 (hg19) VCF-style: chr12-12871170-CCAAAGACTGAT-C.
Other names: short protein forms K134fs.
Identifiers: ClinVar variation 2139814 (VCV002139814.4), dbSNP rs2497405613, ClinGen allele CA2580085208.

ClinVar aggregate classification (germline): Uncertain significance (1 of 4 stars; one submission).

Conditions:
Multiple endocrine neoplasia type 4. Also called: MULTIPLE ENDOCRINE NEOPLASIA, TYPE IV. Identifiers: Orphanet 276152, MedGen C1970712, MONDO:0012552, OMIM 610755.

Submission:

Labcorp Genetics (formerly Invitae), Labcorp
Classification: Uncertain significance for Multiple endocrine neoplasia type 4. Last evaluated: 2022-01-21. Review status: criteria provided, single submitter. Criteria: Invitae Variant Classification Sherloc (09022015). Collection method: clinical testing. Allele origin: germline.
Comment: This sequence change results in a frameshift in the CDKN1B gene (p.Lys134Valfs*67). While this is not anticipated to result in nonsense mediated decay, it is expected to disrupt the last 65 amino acid(s) of the CDKN1B protein and extend the protein by 1 additional amino acid residues. This variant is not present in population databases (gnomAD no frequency). This variant has not been reported in the literature in individuals affected with CDKN1B-related conditions. Experimental studies and prediction algorithms are not available or were not evaluated, and the functional significance of this variant is currently unknown. In summary, the available evidence is currently insufficient to determine the role of this variant in disease. Therefore, it has been classified as a Variant of Uncertain Significance.